The following is an entry in ClinVar:

NM_001364905.1(LRBA):c.8018-8dup

Gene: LRBA (LPS responsive beige-like anchor protein; minus strand). Cytogenetic location: 4q31.3.
Variant type: Duplication.
Coding change: c.8018-8dup on transcript NM_001364905.1 (MANE Select); 8 bases into the intron before coding-DNA position 8018, one base duplicated (T; older notation c.8018-8dupT).
Molecular consequence: intron variant.
Genome position (GRCh38, 1-based): chr4:150,286,042, A duplicated on the plus strand (T on the coding strand, the reverse complement: LRBA is on the minus strand); the first of 6 consecutive A bases (chr4:150,286,042-150,286,047); duplicating any one gives the same sequence. VCF-style (leftmost placement, unchanged base first): chr4-150286041-G-GA. GRCh37 (hg19) VCF-style: chr4-151207193-G-GA.
Other names: c.8033-8dup (NM_001367550.1, NM_001440431.1); c.8051-8dup (NM_006726.5); c.8015-8dup (NM_001199282.3); c.8066-8dup (NM_001440430.1); c.1736-8dup (NM_001440432.1); c.1730-8dup (NM_001440433.1).
Identifiers: ClinVar variation 1167474 (VCV001167474.33), dbSNP rs773155703, ClinGen allele CA3101461.
Genomic context (GRCh38, chr4:150,286,041, plus strand): 5'-ATGTGACCTCATAGTCATGGCCGGTCAAAATGGCCCGAGGAGCAGCAGTCTCACCTTTAG[G>GA]AAAAAACAGATAAAAAGAACAAATCAATTCAATTTCATGCATATTAAATAATCAACAACT-3'

ClinVar aggregate classification (germline): Benign/Likely benign. Review status: criteria provided, multiple submitters, no conflicts (2 of 4 stars). 2 submissions from 2 submitters: Benign (1); Likely benign (1). Last evaluated 2022-07-06.

Conditions:
Combined immunodeficiency due to LRBA deficiency. Also called: Common variable immunodeficiency 8, with autoimmunity. Identifiers: Orphanet 445018, MedGen C3553512, MONDO:0013863, OMIM 614700.

Submissions (2):

Labcorp Genetics (formerly Invitae), Labcorp
Classification: Benign for Combined immunodeficiency due to LRBA deficiency. Last evaluated: 2022-07-06. Review status: criteria provided, single submitter. Criteria: Invitae Variant Classification Sherloc (09022015). Collection method: clinical testing. Allele origin: germline.

CeGaT Center for Human Genetics Tuebingen
Classification: Likely benign. Last evaluated: 2022-05-01. Review status: criteria provided, single submitter. Criteria: CeGaT Center For Human Genetics Tuebingen Variant Classification Criteria Version 2. Collection method: clinical testing. Allele origin: germline. Affected: yes. Observed: 1 variant allele.
Comment: LRBA: BP4